The following is an entry in ClinVar:

ClinVar aggregate classification (germline): Uncertain significance (1 of 4 stars; one submission).

Allele frequency attached by ClinVar (database versions not stated): ExAC 0.00005.
gnomAD v4.1: 7 of 1,478,368 alleles (0.00047%); highest among the groups gnomAD compares: Admixed American, 0.0083%; no homozygotes.

Submission:

Labcorp Genetics (formerly Invitae), Labcorp
Classification: Uncertain significance. Last evaluated: 2025-10-21. Review status: criteria provided, single submitter. Criteria: Invitae Variant Classification Sherloc (09022015). Collection method: clinical testing. Allele origin: germline.
Comment: This sequence change replaces proline, which is neutral and non-polar, with serine, which is neutral and polar, at codon 52 of the IMPAD1 protein (p.Pro52Ser). The frequency data for this variant in the population databases is considered unreliable, as metrics indicate poor data quality at this position in the gnomAD database. This variant has not been reported in the literature in individuals affected with IMPAD1-related conditions. ClinVar contains an entry for this variant (Variation ID: 1940752). An algorithm developed to predict the effect of missense changes on protein structure and function (PolyPhen-2) suggests that this variant is likely to be tolerated. In summary, the available evidence is currently insufficient to determine the role of this variant in disease. Therefore, it has been classified as a Variant of Uncertain Significance.

NM_017813.5(BPNT2):c.154C>T (p.Pro52Ser)

Genes: BPNT2 (3'(2'), 5'-bisphosphate nucleotidase 2; minus strand), LOC130000433 (ATAC-STARR-seq lymphoblastoid silent region 19212; plus strand). Cytogenetic location: 8q12.1.
Variant type: single nucleotide variant.
Coding change: c.154C>T on transcript NM_017813.5 (MANE Select); coding-DNA position 154, C replaced by T.
Protein change: p.Pro52Ser; replaces proline 52 with serine.
Molecular consequence: missense variant.
Genome position (GRCh38, 1-based): chr8:56,993,432, G>A on the plus strand (C>T on the coding strand, the complement: BPNT2 is on the minus strand). VCF-style: chr8-56993432-G-A. GRCh37 (hg19) VCF-style: chr8-57905991-G-A.
Other names: short protein forms P52S.
Identifiers: ClinVar variation 1940752 (VCV001940752.3), dbSNP rs745353531, ClinGen allele CA4755996.